The following is an entry in ClinVar:

ClinVar aggregate classification (germline): Uncertain significance (1 of 4 stars; one submission).

Conditions:
Dyskeratosis congenita. Identifiers: Orphanet 1775, MedGen C0265965, MONDO:0015780.

Submission:

Labcorp Genetics (formerly Invitae), Labcorp
Classification: Uncertain significance for Dyskeratosis congenita. Last evaluated: 2021-04-01. Review status: criteria provided, single submitter. Criteria: Invitae Variant Classification Sherloc (09022015). Collection method: clinical testing. Allele origin: germline.
Comment: In summary, the available evidence is currently insufficient to determine the role of this variant in disease. Therefore, it has been classified as a Variant of Uncertain Significance. Algorithms developed to predict the effect of missense changes on protein structure and function (SIFT, PolyPhen-2, Align-GVGD) all suggest that this variant is likely to be disruptive, but these predictions have not been confirmed by published functional studies and their clinical significance is uncertain. This variant has not been reported in the literature in individuals with CTC1-related conditions. This variant is not present in population databases (ExAC no frequency). This sequence change replaces alanine with valine at codon 1084 of the CTC1 protein (p.Ala1084Val). The alanine residue is highly conserved and there is a small physicochemical difference between alanine and valine.

NM_025099.6(CTC1):c.3251C>T (p.Ala1084Val)

Gene: CTC1 (CST telomere replication complex component 1; minus strand). Cytogenetic location: 17p13.1.
Variant type: single nucleotide variant.
Coding change: c.3251C>T on transcript NM_025099.6 (MANE Select); coding-DNA position 3251, C replaced by T.
Protein change: p.Ala1084Val; replaces alanine 1084 with valine.
Molecular consequence: missense variant. On other transcripts: non-coding transcript variant (1).
Genome position (GRCh38, 1-based): chr17:8,228,863, G>A on the plus strand (C>T on the coding strand, the complement: CTC1 is on the minus strand). VCF-style: chr17-8228863-G-A. GRCh37 (hg19) VCF-style: chr17-8132181-G-A.
Other names: short protein forms A1084V.
Identifiers: ClinVar variation 1441914 (VCV001441914.8), dbSNP rs2151499036, ClinGen allele CA397969385.